The following is an entry in ClinVar:

ClinVar aggregate classification (germline): Likely benign. Review status: criteria provided, single submitter (1 of 4 stars). 2 submissions from 2 submitters: Likely benign (1). 1 of the submissions does not count toward it. Last evaluated 2025-06-15.

Conditions:
Lowe syndrome (OCRL). Also called: LOWE OCULOCEREBRORENAL SYNDROME; PHOSPHATIDYLINOSITOL 4,5-BISPHOSPHATE 5-PHOSPHATASE DEFICIENCY; Oculocerebrorenal Syndrome. Identifiers: Orphanet 534, MedGen C0028860, MONDO:0010645, OMIM 309000.
OCRL-related disorder. Also called: OCRL-related condition.

Allele frequency attached by ClinVar (database versions not stated): ExAC 0.00001; TOPMed 0.00002; gnomAD 0.00003; gnomAD exomes 0.00004; ESP Exome Variant Server 0.00009.
gnomAD v4.1: 45 of 1,187,584 alleles (0.0038%); highest among the groups gnomAD compares: Non-Finnish European, 0.0046%; no homozygotes.

Submissions (2):

Labcorp Genetics (formerly Invitae), Labcorp
Classification: Likely benign for Lowe syndrome. Last evaluated: 2025-06-15. Review status: criteria provided, single submitter. Criteria: Invitae Variant Classification Sherloc (09022015). Collection method: clinical testing. Allele origin: germline.

PreventionGenetics, part of Exact Sciences
Classification: Likely benign for OCRL-related condition. Last evaluated: 2019-03-29. Review status: no assertion criteria provided. Collection method: clinical testing. Allele origin: germline. Not counted in ClinVar's aggregate classification.
Comment: This variant is classified as likely benign based on ACMG/AMP sequence variant interpretation guidelines (Richards et al. 2015 PMID: 25741868, with internal and published modifications).

NM_000276.4(OCRL):c.1880-7A>G

Gene: OCRL (OCRL inositol polyphosphate-5-phosphatase; plus strand). Cytogenetic location: Xq26.1.
Variant type: single nucleotide variant.
Coding change: c.1880-7A>G on transcript NM_000276.4 (MANE Select); 7 bases into the intron before coding-DNA position 1880, A replaced by G.
Molecular consequence: intron variant.
Genome position (GRCh38, 1-based): chrX:129,576,310, A>G. VCF-style: chrX-129576310-A-G. GRCh37 (hg19) VCF-style: chrX-128710287-A-G.
Other names: c.1880-7A>G (NM_000276.3, NM_001587.4); c.1883-7A>G (NM_001318784.2).
Identifiers: ClinVar variation 2775799 (VCV002775799.5), dbSNP rs377504756, ClinGen allele CA10512258.